The following is an entry in ClinVar:

NM_005732.4(RAD50):c.3037A>G (p.Ile1013Val)

Gene: RAD50 (RAD50 double strand break repair protein; plus strand). Cytogenetic location: 5q31.1.
Variant type: single nucleotide variant.
Coding change: c.3037A>G on transcript NM_005732.4 (MANE Select); coding-DNA position 3037, A replaced by G.
Protein change: p.Ile1013Val; replaces isoleucine 1013 with valine.
Molecular consequence: missense variant.
Genome position (GRCh38, 1-based): chr5:132,616,003, A>G. VCF-style: chr5-132616003-A-G. GRCh37 (hg19) VCF-style: chr5-131951695-A-G.
Other names: short protein forms I1013V.
Identifiers: ClinVar variation 408341 (VCV000408341.13), dbSNP rs983751245, ClinGen allele CA16611991.

ClinVar aggregate classification (germline): Uncertain significance. Review status: criteria provided, multiple submitters, no conflicts (2 of 4 stars). 2 submissions from 2 submitters: Uncertain significance (2). Last evaluated 2025-09-07.

Conditions:
Hereditary cancer-predisposing syndrome. Also called: Hereditary Cancer Syndrome; Hereditary neoplastic syndrome; Neoplastic Syndromes, Hereditary; Tumor predisposition. Identifiers: Orphanet 140162, MedGen C0027672, MeSH D009386, MONDO:0015356.

Allele frequency attached by ClinVar (database versions not stated): TOPMed below 0.00001; gnomAD 0.00001.

Submissions (2):

Ambry Genetics
Classification: Uncertain significance for Hereditary cancer-predisposing syndrome. Last evaluated: 2025-09-07. Review status: criteria provided, single submitter. Criteria: Ambry Variant Classification Scheme 2023. Collection method: clinical testing. Allele origin: germline.
Comment: The p.I1013V variant (also known as c.3037A>G), located in coding exon 20 of the RAD50 gene, results from a A to G substitution at nucleotide position 3037. This change occurs in the first base pair of coding exon 20. This alteration changes the isoleucine at codon 1013 to valine, an amino acid with highly similar properties. Both the nucleotide and amino acid positions are well conserved in available vertebrate species. In addition, this alteration is predicted to be tolerated by in silico analysis. Since supporting evidence is limited at this time, the clinical significance of this alteration remains unclear.

Labcorp Genetics (formerly Invitae), Labcorp
Classification: Uncertain significance for Hereditary cancer-predisposing syndrome. Last evaluated: 2023-08-16. Review status: criteria provided, single submitter. Criteria: Invitae Variant Classification Sherloc (09022015). Collection method: clinical testing. Allele origin: germline.
Comment: In summary, the available evidence is currently insufficient to determine the role of this variant in disease. Therefore, it has been classified as a Variant of Uncertain Significance. RNA analysis performed to evaluate the impact of this missense change on mRNA splicing indicates it does not significantly alter splicing (Invitae). Algorithms developed to predict the effect of missense changes on protein structure and function output the following: SIFT: "Not Available"; PolyPhen-2: "Benign"; Align-GVGD: "Not Available". The valine amino acid residue is found in multiple mammalian species, which suggests that this missense change does not adversely affect protein function. ClinVar contains an entry for this variant (Variation ID: 408341). This variant has not been reported in the literature in individuals affected with RAD50-related conditions. This variant is not present in population databases (gnomAD no frequency). This sequence change replaces isoleucine, which is neutral and non-polar, with valine, which is neutral and non-polar, at codon 1013 of the RAD50 protein (p.Ile1013Val).